The following is an entry in ClinVar:

ClinVar aggregate classification (germline): Benign/Likely benign. Review status: criteria provided, multiple submitters, no conflicts (2 of 4 stars). 4 submissions from 4 submitters: Benign (2); Likely benign (2). Last evaluated 2026-02-02.

Conditions:
Early-infantile DEE. Also called: Early infantile epileptic encephalopathy with suppression bursts; Early infantile epileptic encephalopathy; Ohtahara syndrome. Identifiers: Orphanet 1934, MedGen C0393706, MONDO:0800491.

Allele frequency attached by ClinVar (database versions not stated): TOPMed 0.00017; 1000 Genomes Project 30x 0.00031; ESP Exome Variant Server 0.00031; 1000 Genomes Project 0.00040; gnomAD 0.00064 and 0.00069; ExAC 0.00068.
gnomAD v4.1: 745 of 1,614,236 alleles (0.046%); highest among the groups gnomAD compares: Non-Finnish European, 0.025%; no homozygotes.

Submissions (4):

Women's Health and Genetics/Laboratory Corporation of America, LabCorp
Classification: Likely benign. Last evaluated: 2026-02-02. Review status: criteria provided, single submitter. Criteria: LabCorp Variant Classification Summary - May 2015. Collection method: clinical testing. Allele origin: germline.

Labcorp Genetics (formerly Invitae), Labcorp
Classification: Benign for Early-infantile DEE. Last evaluated: 2025-08-21. Review status: criteria provided, single submitter. Criteria: Invitae Variant Classification Sherloc (09022015). Collection method: clinical testing. Allele origin: germline.

Blueprint Genetics
Classification: Likely benign. Last evaluated: 2024-09-16. Review status: criteria provided, single submitter. Criteria: ACMG Guidelines, 2015. Collection method: clinical testing. Allele origin: germline.

GeneDx
Classification: Benign. Last evaluated: 2013-03-05. Review status: criteria provided, single submitter. Criteria: GeneDx Variant Classification (06012015). Collection method: clinical testing. Allele origin: germline. Affected: yes.
Comment: This variant is considered likely benign or benign based on one or more of the following criteria: it is a conservative change, it occurs at a poorly conserved position in the protein, it is predicted to be benign by multiple in silico algorithms, and/or has population frequency not consistent with disease.

NM_001130438.3(SPTAN1):c.930+17G>A

Gene: SPTAN1 (spectrin alpha, non-erythrocytic 1; plus strand). Cytogenetic location: 9q34.11.
Variant type: single nucleotide variant.
Coding change: c.930+17G>A on transcript NM_001130438.3 (MANE Select); 17 bases into the intron after coding-DNA position 930, G replaced by A.
Molecular consequence: intron variant.
Genome position (GRCh38, 1-based): chr9:128,577,290, G>A. VCF-style: chr9-128577290-G-A. GRCh37 (hg19) VCF-style: chr9-131339569-G-A.
Other names: c.930+17G>A (NM_001363759.2, NM_003127.4, NM_001363765.2 and 1 more transcripts).
Identifiers: ClinVar variation 139266 (VCV000139266.12), dbSNP rs117436936, ClinGen allele CA293712.
Genomic context (GRCh38, chr9:128,577,290, plus strand): 5'-AGCACGAGGGTCTGGAGAGAGATCTTGCTGCTCTAGAAGACAAGGTGGGTTTTACAAGCA[G>A]CTGATTCTGTAAATAAGTTACCAAGGGTCAGGAGAATAGTTCTGACGGAGTTCATTTCTA-3'